The following is an entry in ClinVar:

ClinVar aggregate classification (germline): Uncertain significance (1 of 4 stars; one submission).

Conditions:
Aniridia 1 (AN1). Identifiers: Orphanet 250923, MedGen C0344542, MONDO:0024507, OMIM 106210.
Irido-corneo-trabecular dysgenesis (ASGD5). Also called: ANTERIOR SEGMENT DYSGENESIS 5. Identifiers: Orphanet 708, MedGen C0344559, MONDO:0011414, OMIM 604229, HP:0000659.

Submission:

Labcorp Genetics (formerly Invitae), Labcorp
Classification: Uncertain significance for Aniridia 1; Irido-corneo-trabecular dysgenesis. Last evaluated: 2024-12-06. Review status: criteria provided, single submitter. Criteria: Invitae Variant Classification Sherloc (09022015). Collection method: clinical testing. Allele origin: germline.
Comment: This variant occurs in a non-coding region of the PAX6 gene. It does not change the encoded amino acid sequence of the PAX6 protein. It affects a nucleotide within the consensus splice site. This variant is not present in population databases (gnomAD no frequency). This variant has not been reported in the literature in individuals affected with PAX6-related conditions. Variants that disrupt the consensus splice site are a relatively common cause of aberrant splicing (PMID: 17576681, 9536098). Algorithms developed to predict the effect of sequence changes on RNA splicing suggest that this variant may disrupt the consensus splice site. In summary, the available evidence is currently insufficient to determine the role of this variant in disease. Therefore, it has been classified as a Variant of Uncertain Significance.

Literature cited by the submitters: PubMed 17576681; PubMed 9536098.

NM_001368894.2(PAX6):c.-52+4A>C

Gene: PAX6 (paired box 6; minus strand). Cytogenetic location: 11p13.
Variant type: single nucleotide variant.
Coding change: c.-52+4A>C on transcript NM_001368894.2 (MANE Select); 4 bases into the intron after 52 bases upstream of the start codon, A replaced by C.
Molecular consequence: intron variant.
Genome position (GRCh38, 1-based): chr11:31,806,845, T>G on the plus strand (A>C on the coding strand, the complement: PAX6 is on the minus strand). VCF-style: chr11-31806845-T-G. GRCh37 (hg19) VCF-style: chr11-31828393-T-G.
Other names: c.-52+4A>C (NM_001127612.3, NM_001368921.2, NM_001368923.2 and 30 more transcripts); c.49+4A>C (NM_001368910.2); c.-268+3983A>C (NM_001368909.2); c.13+3983A>C (NM_001368911.2); c.-329+4A>C (NM_001368904.2); c.-833+4A>C (NM_001368905.2).
Identifiers: ClinVar variation 3749888 (VCV003749888.2).